The following is an entry in ClinVar:

NM_020041.3(SLC2A9):c.73G>A (p.Gly25Arg)

Genes: SLC2A9 (solute carrier family 2 member 9; minus strand), SLC2A9-AS3 (SLC2A9 antisense RNA 3; plus strand). Cytogenetic location: 4p16.1.
Variant type: single nucleotide variant.
Coding change: c.73G>A on transcript NM_020041.3 (MANE Select); coding-DNA position 73, G replaced by A.
Protein change: p.Gly25Arg; replaces glycine 25 with arginine.
Molecular consequence: missense variant. On other transcripts: intron variant (1).
Genome position (GRCh38, 1-based): chr4:10,021,357, C>T on the plus strand (G>A on the coding strand, the complement: SLC2A9 is on the minus strand). VCF-style: chr4-10021357-C-T. GRCh37 (hg19) VCF-style: chr4-10022981-C-T.
Other names: c.64-2284G>A (NM_001001290.2); short protein forms G25R.
Identifiers: ClinVar variation 347006 (VCV000347006.19), dbSNP rs2276961, ClinGen allele CA2857353.

ClinVar aggregate classification (germline): Benign/Likely benign. Review status: criteria provided, multiple submitters, no conflicts (2 of 4 stars). 7 submissions from 7 submitters: Benign (6); Likely benign (1). Last evaluated 2026-02-04.

Conditions:
Hypouricemia, renal, 2. Also called: HYPOURICEMIA, RENAL, 2, AUTOSOMAL RECESSIVE; HYPOURICEMIA, RENAL, 2, AUTOSOMAL DOMINANT. Identifiers: MedGen C2677549, MONDO:0012793, OMIM 612076.

Allele frequency attached by ClinVar (database versions not stated): 1000 Genomes Project 30x 0.40459; 1000 Genomes Project 0.40735; TOPMed 0.42602; ESP Exome Variant Server 0.42826; gnomAD 0.43226 and 0.43832; ExAC 0.51034; gnomAD exomes 0.51454 and 0.53473.
gnomAD v4.1: 847,044 of 1,613,966 alleles (52%); highest among the groups gnomAD compares: South Asian, 60%; 227,232 homozygotes.

Submissions (7):

Labcorp Genetics (formerly Invitae), Labcorp
Classification: Benign. Last evaluated: 2026-02-04. Review status: criteria provided, single submitter. Criteria: Invitae Variant Classification Sherloc (09022015). Collection method: clinical testing. Allele origin: germline.

Blueprint Genetics
Classification: Likely benign. Last evaluated: 2024-11-26. Review status: criteria provided, single submitter. Criteria: ACMG Guidelines, 2015. Collection method: clinical testing. Allele origin: germline.

Mayo Clinic Laboratories, Mayo Clinic
Classification: Benign. Last evaluated: 2022-09-23. Review status: criteria provided, single submitter. Criteria: ACMG Guidelines, 2015. Collection method: clinical testing. Allele origin: germline. Observed: 125 variant alleles.
Comment: BA1, BP4

Genome-Nilou Lab
Classification: Benign for Hypouricemia, renal, 2. Last evaluated: 2021-07-15. Review status: criteria provided, single submitter. Criteria: ACMG Guidelines, 2015. Collection method: clinical testing. Allele origin: germline. Affected: no.

GeneDx
Classification: Benign. Last evaluated: 2018-11-12. Review status: criteria provided, single submitter. Criteria: GeneDx Variant Classification Process June 2021. Collection method: clinical testing. Allele origin: germline. Affected: yes.
Comment: This variant is associated with the following publications: (PMID: 30315176)

Illumina Laboratory Services, Illumina
Classification: Benign for Hypouricemia, renal, 2. Last evaluated: 2018-01-13. Review status: criteria provided, single submitter. Criteria: ICSL Variant Classification Criteria 13 December 2019. Collection method: clinical testing. Allele origin: germline.
Comment: This variant was observed in the ICSL laboratory as part of a predisposition screen in an ostensibly healthy population. It had not been previously curated by ICSL or reported in the Human Gene Mutation Database (HGMD: prior to June 1st, 2018), and was therefore a candidate for classification through an automated scoring system. Utilizing variant allele frequency, disease prevalence and penetrance estimates, and inheritance mode, an automated score was calculated to assess if this variant is too frequent to cause the disease. Based on the score and internal cut-off values, a variant classified as benign is not then subjected to further curation. The score for this variant resulted in a classification of benign for this disease.

Breakthrough Genomics
Classification: Benign. Review status: criteria provided, single submitter. Criteria: ACMG Guidelines, 2015. Collection method: not provided. Allele origin: germline. Inheritance: Autosomal dominant inheritance. Affected: yes.